The following is an entry in ClinVar:

NM_000053.4(ATP7B):c.46C>G (p.Arg16Gly)

Gene: ATP7B (ATPase copper transporting beta; minus strand). Cytogenetic location: 13q14.3.
Variant type: single nucleotide variant.
Coding change: c.46C>G on transcript NM_000053.4 (MANE Select); coding-DNA position 46, C replaced by G.
Protein change: p.Arg16Gly; replaces arginine 16 with glycine.
Molecular consequence: missense variant.
Genome position (GRCh38, 1-based): chr13:52,011,292, G>C on the plus strand (C>G on the coding strand, the complement: ATP7B is on the minus strand). VCF-style: chr13-52011292-G-C. GRCh37 (hg19) VCF-style: chr13-52585428-G-C.
Other names: c.46C>G, p.Arg16Gly (NM_001005918.3, NM_001243182.2, NM_001330578.2 and 30 more transcripts); c.-142C>G (NM_001406518.1); c.-84C>G (NM_001406543.1, NM_001406539.1); short protein forms R16G.
Identifiers: ClinVar variation 1969986 (VCV001969986.3), dbSNP rs1593892536, ClinGen allele CA388047573.

ClinVar aggregate classification (germline): Uncertain significance. Review status: criteria provided, multiple submitters, no conflicts (2 of 4 stars). 2 submissions from 2 submitters: Uncertain significance (2). Last evaluated 2024-08-30.

Conditions:
Wilson disease (WND). Also called: Wilson's disease. Identifiers: Orphanet 905, MedGen C0019202, MONDO:0010200, OMIM 277900. Disease mechanism: loss of function.

gnomAD v4.1: 1 of 1,614,198 alleles (0.000062%); highest among the groups gnomAD compares: African/African-American, 0.0013%; no homozygotes.

Submissions (2):

All of Us Research Program, National Institutes of Health
Classification: Uncertain significance for Wilson disease. Last evaluated: 2024-08-30. Review status: criteria provided, single submitter. Criteria: ACMG Guidelines, 2015. Collection method: clinical testing. Allele origin: germline. Inheritance: Autosomal recessive inheritance. Observed: 1 variant allele, 1 heterozygote.
Comment: This study involves interpretation of variants in research participants for the purpose of population health screening. Participant phenotype was not available at the time of variant classification. Additional details can be found in publication PMID: 35346344, PMCID: PMC8962531

Labcorp Genetics (formerly Invitae), Labcorp
Classification: Uncertain significance for Wilson disease. Last evaluated: 2022-05-23. Review status: criteria provided, single submitter. Criteria: Invitae Variant Classification Sherloc (09022015). Collection method: clinical testing. Allele origin: germline.
Comment: This sequence change replaces arginine, which is basic and polar, with glycine, which is neutral and non-polar, at codon 16 of the ATP7B protein (p.Arg16Gly). This variant is not present in population databases (gnomAD no frequency). This variant has not been reported in the literature in individuals affected with ATP7B-related conditions. Advanced modeling of protein sequence and biophysical properties (such as structural, functional, and spatial information, amino acid conservation, physicochemical variation, residue mobility, and thermodynamic stability) performed at Invitae indicates that this missense variant is not expected to disrupt ATP7B protein function. In summary, the available evidence is currently insufficient to determine the role of this variant in disease. Therefore, it has been classified as a Variant of Uncertain Significance.